The following is an entry in ClinVar:

NM_001184.4(ATR):c.5980A>G (p.Lys1994Glu)

Gene: ATR (ATR checkpoint kinase; minus strand). Cytogenetic location: 3q23.
Variant type: single nucleotide variant.
Coding change: c.5980A>G on transcript NM_001184.4 (MANE Select); coding-DNA position 5980, A replaced by G.
Protein change: p.Lys1994Glu; replaces lysine 1994 with glutamic acid.
Molecular consequence: missense variant.
Genome position (GRCh38, 1-based): chr3:142,493,230, T>C on the plus strand (A>G on the coding strand, the complement: ATR is on the minus strand). VCF-style: chr3-142493230-T-C. GRCh37 (hg19) VCF-style: chr3-142212072-T-C.
Other names: c.5788A>G, p.Lys1930Glu (NM_001354579.2); short protein forms K1930E, K1994E.
Identifiers: ClinVar variation 1750842 (VCV001750842.2), dbSNP rs1409107745, ClinGen allele CA354811590.
Genomic context (GRCh38, chr3:142,493,230, plus strand): 5'-CTGTTTCTTCCATAAATCGGCCCACTAGTAGCATAGCTCGACCATGGATTAACATGTTCT[T>C]ACCCTCAGGTGGGGTTTCATTTTCAGGAAAACATAATTCAACACCTTTTTGAAGAACAAT-3'
Protein context (NP_001175.2, residues 1984-2004): FPENETPPEG[Lys1994Glu]NMLIHGRAML

ClinVar aggregate classification (germline): Uncertain significance (1 of 4 stars; one submission).

Conditions:
Inborn genetic diseases. Identifiers: MedGen C0950123, MeSH D030342.

Allele frequency attached by ClinVar (database versions not stated): gnomAD 0.00001.
gnomAD v4.1: 1 of 1,613,958 alleles (0.000062%); highest among the groups gnomAD compares: Non-Finnish European, 0.000085%; no homozygotes.

Submission:

Ambry Genetics
Classification: Uncertain significance for Inborn genetic diseases. Last evaluated: 2021-11-16. Review status: criteria provided, single submitter. Criteria: Ambry Variant Classification Scheme 2023. Collection method: clinical testing. Allele origin: germline.
Comment: The p.K1994E variant (also known as c.5980A>G), located in coding exon 35 of the ATR gene, results from an A to G substitution at nucleotide position 5980. The lysine at codon 1994 is replaced by glutamic acid, an amino acid with similar properties. This amino acid position is conserved. In addition, this alteration is predicted to be tolerated by in silico analysis. Since supporting evidence is limited at this time, the clinical significance of this alteration remains unclear.